The following is an entry in ClinVar:

NM_002047.4(GARS1):c.757G>A (p.Glu253Lys)

Gene: GARS1 (glycyl-tRNA synthetase 1; plus strand). Cytogenetic location: 7p14.3.
Variant type: single nucleotide variant.
Coding change: c.757G>A on transcript NM_002047.4 (MANE Select); coding-DNA position 757, G replaced by A.
Protein change: p.Glu253Lys; replaces glutamic acid 253 with lysine.
Molecular consequence: missense variant.
Genome position (GRCh38, 1-based): chr7:30,609,606, G>A. VCF-style: chr7-30609606-G-A. GRCh37 (hg19) VCF-style: chr7-30649222-G-A.
Other names: c.757G>A (NM_002047.2, NM_002047.3); c.595G>A, p.Glu199Lys (NM_001316772.1); short protein forms E253K, E199K.
Identifiers: ClinVar variation 872216 (VCV000872216.49), dbSNP rs760051768, ClinGen allele CA4205818.

ClinVar aggregate classification (germline): Uncertain significance. Review status: criteria provided, multiple submitters, no conflicts (2 of 4 stars). 4 submissions from 4 submitters: Uncertain significance (4). Last evaluated 2025-09-19.

Conditions:
Charcot-Marie-Tooth disease type 2. Also called: Charcot-Marie-Tooth type 2. Identifiers: Orphanet 64746, MedGen C0270914, MONDO:0018993.
GARS1-related disorder. Also called: GARS1-related condition.

Allele frequency attached by ClinVar (database versions not stated): gnomAD exomes 0.00002 and 0.00003; ExAC 0.00003; TOPMed 0.00003; gnomAD 0.00004.
gnomAD v4.1: 47 of 1,613,064 alleles (0.0029%); highest among the groups gnomAD compares: Non-Finnish European, 0.0031%; no homozygotes.

Submissions (4):

PreventionGenetics, part of Exact Sciences
Classification: Uncertain significance for GARS1-related condition. Last evaluated: 2025-09-19. Review status: criteria provided, single submitter. Criteria: ACMG Guidelines, 2015. Collection method: clinical testing. Allele origin: germline.
Comment: The GARS1 c.757G>A variant is predicted to result in the amino acid substitution p.Glu253Lys. To our knowledge, this variant has not been reported in the literature. This variant is reported in 0.0047% of alleles in individuals of European (non-Finnish) descent in gnomAD. At this time, the clinical significance of this variant is uncertain due to the absence of conclusive functional and genetic evidence.

Ambry Genetics
Classification: Uncertain significance. Last evaluated: 2025-01-10. Review status: criteria provided, single submitter. Criteria: Ambry Variant Classification Scheme 2023. Collection method: clinical testing. Allele origin: germline.

Labcorp Genetics (formerly Invitae), Labcorp
Classification: Uncertain significance for Charcot-Marie-Tooth disease type 2. Last evaluated: 2024-10-31. Review status: criteria provided, single submitter. Criteria: Invitae Variant Classification Sherloc (09022015). Collection method: clinical testing. Allele origin: germline.
Comment: This sequence change replaces glutamic acid, which is acidic and polar, with lysine, which is basic and polar, at codon 253 of the GARS protein (p.Glu253Lys). The frequency data for this variant in the population databases is considered unreliable, as metrics indicate poor data quality at this position in the gnomAD database. This variant has not been reported in the literature in individuals affected with GARS-related conditions. ClinVar contains an entry for this variant (Variation ID: 872216). Invitae Evidence Modeling of protein sequence and biophysical properties (such as structural, functional, and spatial information, amino acid conservation, physicochemical variation, residue mobility, and thermodynamic stability) indicates that this missense variant is not expected to disrupt GARS protein function with a negative predictive value of 80%. In summary, the available evidence is currently insufficient to determine the role of this variant in disease. Therefore, it has been classified as a Variant of Uncertain Significance.

CeGaT Center for Human Genetics Tuebingen
Classification: Uncertain significance. Last evaluated: 2019-10-01. Review status: criteria provided, single submitter. Criteria: CeGaT Center For Human Genetics Tuebingen Variant Classification Criteria Version 2. Collection method: clinical testing. Allele origin: germline. Affected: yes. Observed: 1 variant allele.